The following is an entry in ClinVar:

NM_000492.4(CFTR):c.3388G>A (p.Gly1130Ser)

Genes: CFTR (CF transmembrane conductance regulator; plus strand), CFTR-AS2 (CFTR antisense RNA 2; minus strand). Cytogenetic location: 7q31.2.
Variant type: single nucleotide variant.
Coding change: c.3388G>A on transcript NM_000492.4 (MANE Select); coding-DNA position 3388, G replaced by A.
Protein change: p.Gly1130Ser; replaces glycine 1130 with serine.
Molecular consequence: missense variant.
Genome position (GRCh38, 1-based): chr7:117,614,633, G>A. VCF-style: chr7-117614633-G-A. GRCh37 (hg19) VCF-style: chr7-117254687-G-A.
Other names: short protein forms G1130S.
Identifiers: ClinVar variation 2567897 (VCV002567897.2), dbSNP rs1005269197, ClinGen allele CA164968795.

ClinVar aggregate classification (germline): Uncertain significance (1 of 4 stars; one submission).

Conditions:
Cystic fibrosis (CF). Also called: MUCOVISCIDOSIS. Identifiers: Orphanet 586, MedGen C0010674, MONDO:0009061, OMIM 219700. Disease mechanism: loss of function.

Allele frequency attached by ClinVar (database versions not stated): TOPMed below 0.00001.

Submission:

Ambry Genetics
Classification: Uncertain significance for Cystic fibrosis. Last evaluated: 2023-05-29. Review status: criteria provided, single submitter. Criteria: Ambry Variant Classification Scheme 2023. Collection method: clinical testing. Allele origin: germline.
Comment: The p.G1130S variant (also known as c.3388G>A), located in coding exon 21 of the CFTR gene, results from a G to A substitution at nucleotide position 3388. The glycine at codon 1130 is replaced by serine, an amino acid with similar properties. This amino acid position is conserved. In addition, this alteration is predicted to be deleterious by in silico analysis. Since supporting evidence is limited at this time, the clinical significance of this alteration remains unclear.